The following is an entry in ClinVar:

ClinVar aggregate classification (germline): Uncertain significance (1 of 4 stars; one submission).

Submission:

GeneDx
Classification: Uncertain significance. Last evaluated: 2025-05-25. Review status: criteria provided, single submitter. Criteria: GeneDx Variant Classification Process June 2021. Collection method: clinical testing. Allele origin: germline. Affected: yes.
Comment: Not observed at significant frequency in large population cohorts (gnomAD); Has not been previously published as pathogenic or benign to our knowledge; In silico analysis is inconclusive as to whether the variant alters gene splicing. In the absence of RNA/functional studies, the actual effect of this sequence change is unknown.

NM_001330260.2(SCN8A):c.4419+3A>C

Gene: SCN8A (sodium voltage-gated channel alpha subunit 8; plus strand). Cytogenetic location: 12q13.13.
Variant type: single nucleotide variant.
Coding change: c.4419+3A>C on transcript NM_001330260.2 (MANE Select); 3 bases into the intron after coding-DNA position 4419, A replaced by C.
Molecular consequence: intron variant.
Genome position (GRCh38, 1-based): chr12:51,789,421, A>C. VCF-style: chr12-51789421-A-C. GRCh37 (hg19) VCF-style: chr12-52183205-A-C.
Other names: c.4419+3A>C (NM_014191.4); c.4296+3A>C (NM_001177984.3, NM_001369788.1).
Identifiers: ClinVar variation 4532477 (VCV004532477.1).
Genomic context (GRCh38, chr12:51,789,421, plus strand): 5'-CACCCTGAACCTGTTCATTGGTGTCATCATTGATAACTTCAATCAACAAAAGAAAAAGAT[A>C]GGTCTCCTCCCCTCATTGCCAGTGGTTGGAAGTCAGCCCAGATAAGAGGCACCTTTGTCC-3'